The following is an entry in ClinVar:

NM_001734.5(C1S):c.1549C>A (p.Leu517Met)

Gene: C1S (complement C1s; plus strand). Cytogenetic location: 12p13.31.
Variant type: single nucleotide variant.
Coding change: c.1549C>A on transcript NM_001734.5 (MANE Select); coding-DNA position 1549, C replaced by A.
Protein change: p.Leu517Met; replaces leucine 517 with methionine.
Molecular consequence: missense variant.
Genome position (GRCh38, 1-based): chr12:7,070,133, C>A. VCF-style: chr12-7070133-C-A. GRCh37 (hg19) VCF-style: chr12-7177437-C-A.
Other names: c.1048C>A, p.Leu350Met (NM_001346850.2); c.1549C>A, p.Leu517Met (NM_201442.4); c.1549C>A (NM_201442.2); short protein forms L350M, L517M.
Identifiers: ClinVar variation 3657311 (VCV003657311.3).
Genomic context (GRCh38, chr12:7,070,133, plus strand): 5'-CTGGCAAAATCCAAGATGCTCACTCCTGAGCATGTGTTTATTCATCCGGGATGGAAGCTG[C>A]TGGAAGTCCCAGAAGGACGAACCAATTTTGATAATGACATTGCACTGGTGCGGCTGAAAG-3'
Protein context (NP_001725.1, residues 507-527): HVFIHPGWKL[Leu517Met]EVPEGRTNFD

ClinVar aggregate classification (germline): Uncertain significance. Review status: criteria provided, multiple submitters, no conflicts (2 of 4 stars). 2 submissions from 2 submitters: Uncertain significance (2). Last evaluated 2025-08-19.

Conditions:
Inborn genetic diseases. Identifiers: MedGen C0950123, MeSH D030342.

Submissions (2):

Ambry Genetics
Classification: Uncertain significance for Inborn genetic diseases. Last evaluated: 2025-08-19. Review status: criteria provided, single submitter. Criteria: Ambry Variant Classification Scheme 2023. Collection method: clinical testing. Allele origin: germline.

Labcorp Genetics (formerly Invitae), Labcorp
Classification: Uncertain significance. Last evaluated: 2024-10-17. Review status: criteria provided, single submitter. Criteria: Invitae Variant Classification Sherloc (09022015). Collection method: clinical testing. Allele origin: germline.
Comment: This sequence change replaces leucine, which is neutral and non-polar, with methionine, which is neutral and non-polar, at codon 517 of the C1S protein (p.Leu517Met). This variant is not present in population databases (gnomAD no frequency). This variant has not been reported in the literature in individuals affected with C1S-related conditions. An algorithm developed to predict the effect of missense changes on protein structure and function (PolyPhen-2) suggests that this variant is likely to be tolerated. In summary, the available evidence is currently insufficient to determine the role of this variant in disease. Therefore, it has been classified as a Variant of Uncertain Significance.